The following is an entry in ClinVar:

ClinVar aggregate classification (germline): Uncertain significance (1 of 4 stars; one submission).

Submission:

Labcorp Genetics (formerly Invitae), Labcorp
Classification: Uncertain significance. Last evaluated: 2025-06-09. Review status: criteria provided, single submitter. Criteria: Invitae Variant Classification Sherloc (09022015). Collection method: clinical testing. Allele origin: germline.
Comment: This sequence change replaces serine, which is neutral and polar, with glycine, which is neutral and non-polar, at codon 265 of the LCT protein (p.Ser265Gly). This variant is not present in population databases (gnomAD no frequency). This variant has not been reported in the literature in individuals affected with LCT-related conditions. An algorithm developed to predict the effect of missense changes on protein structure and function (PolyPhen-2) suggests that this variant is likely to be tolerated. In summary, the available evidence is currently insufficient to determine the role of this variant in disease. Therefore, it has been classified as a Variant of Uncertain Significance.

NM_002299.4(LCT):c.793A>G (p.Ser265Gly)

Gene: LCT (lactase; minus strand). Cytogenetic location: 2q21.3.
Variant type: single nucleotide variant.
Coding change: c.793A>G on transcript NM_002299.4 (MANE Select); coding-DNA position 793, A replaced by G.
Protein change: p.Ser265Gly; replaces serine 265 with glycine.
Molecular consequence: missense variant.
Genome position (GRCh38, 1-based): chr2:135,829,604, T>C on the plus strand (A>G on the coding strand, the complement: LCT is on the minus strand). VCF-style: chr2-135829604-T-C. GRCh37 (hg19) VCF-style: chr2-136587174-T-C.
Other names: short protein forms S265G.
Identifiers: ClinVar variation 4777668 (VCV004777668.1).
Genomic context (GRCh38, chr2:135,829,604, plus strand): 5'-TGAAACCTTCGCTGCATTCATCATTAATGTGGAAAAGGGCTCAAATTACCTGCAATTTAC[T>C]CAGCTTCTGCCGCAGACTTGCCTCATTTTGGCATTCATAAGACAAATCAAGAGAGAGGAA-3'
Protein context (NP_002290.2, residues 255-275): QNEASLRQKL[Ser265Gly]KLQTIEPKVK